The following is an entry in ClinVar:

ClinVar aggregate classification (germline): Uncertain significance. Review status: criteria provided, multiple submitters, no conflicts (2 of 4 stars). 3 submissions from 3 submitters: Uncertain significance (3). Last evaluated 2025-10-10.

Conditions:
Charcot-Marie-Tooth disease recessive intermediate C. Also called: CHARCOT-MARIE-TOOTH NEUROPATHY, RECESSIVE INTERMEDIATE C. Identifiers: Orphanet 369867, MedGen C3809309, MONDO:0014154, OMIM 615376.
Neuronopathy, distal hereditary motor, autosomal recessive 4. Also called: Autosomal recessive lower motor neuron disease with childhood onset; NEUROPATHY, DISTAL HEREDITARY MOTOR, AUTOSOMAL RECESSIVE 4. Identifiers: Orphanet 206580, MedGen C1970211, MONDO:0012608, OMIM 611067.

Allele frequency attached by ClinVar (database versions not stated): gnomAD 0.00002; gnomAD exomes 0.00002 and 0.00004; TOPMed 0.00002; ExAC 0.00003; ESP Exome Variant Server 0.00008.
gnomAD v4.1: 37 of 1,613,608 alleles (0.0023%); highest among the groups gnomAD compares: Non-Finnish European, 0.0029%; no homozygotes.

Submissions (3):

Mayo Clinic Laboratories, Mayo Clinic
Classification: Uncertain significance. Last evaluated: 2025-10-10. Review status: criteria provided, single submitter. Criteria: ACMG Guidelines, 2015. Collection method: clinical testing. Allele origin: germline. Observed: 1 variant allele.
Comment: PP3, PM2_supporting

Labcorp Genetics (formerly Invitae), Labcorp
Classification: Uncertain significance for Neuronopathy, distal hereditary motor, autosomal recessive 4; Charcot-Marie-Tooth disease recessive intermediate C. Last evaluated: 2022-08-23. Review status: criteria provided, single submitter. Criteria: Invitae Variant Classification Sherloc (09022015). Collection method: clinical testing. Allele origin: germline.
Comment: This sequence change replaces proline, which is neutral and non-polar, with serine, which is neutral and polar, at codon 28 of the PLEKHG5 protein (p.Pro28Ser). This variant is present in population databases (rs373539850, gnomAD 0.008%). This variant has not been reported in the literature in individuals affected with PLEKHG5-related conditions. ClinVar contains an entry for this variant (Variation ID: 468919). Algorithms developed to predict the effect of missense changes on protein structure and function are either unavailable or do not agree on the potential impact of this missense change (SIFT: "Tolerated"; PolyPhen-2: "Probably Damaging"; Align-GVGD: "Class C0"). In summary, the available evidence is currently insufficient to determine the role of this variant in disease. Therefore, it has been classified as a Variant of Uncertain Significance.

GeneDx
Classification: Uncertain significance. Last evaluated: 2019-10-07. Review status: criteria provided, single submitter. Criteria: GeneDx Variant Classification Process June 2021. Collection method: clinical testing. Allele origin: germline. Affected: yes.
Comment: Not observed at a significant frequency in large population cohorts (Lek et al., 2016); In silico analysis, which includes protein predictors and evolutionary conservation, supports a deleterious effect; Has not been previously published as pathogenic or benign to our knowledge

NM_020631.6(PLEKHG5):c.82C>T (p.Pro28Ser)

Gene: PLEKHG5 (pleckstrin homology and RhoGEF domain containing G5; minus strand). Cytogenetic location: 1p36.31.
Variant type: single nucleotide variant.
Coding change: c.82C>T on transcript NM_020631.6 (MANE Select); coding-DNA position 82, C replaced by T.
Protein change: p.Pro28Ser; replaces proline 28 with serine.
Molecular consequence: missense variant.
Genome position (GRCh38, 1-based): chr1:6,475,998, G>A on the plus strand (C>T on the coding strand, the complement: PLEKHG5 is on the minus strand). VCF-style: chr1-6475998-G-A. GRCh37 (hg19) VCF-style: chr1-6536058-G-A.
Other names: p.Pro28Ser; c.82C>T (NM_020631.5); c.193C>T, p.Pro65Ser (NM_001042663.3, NM_001265592.2); c.82C>T, p.Pro28Ser (NM_001042664.2, NM_001042665.2, NM_001265594.3 and 1 more transcripts); c.289C>T, p.Pro97Ser (NM_001265593.2); short protein forms P28S, P97S, P65S.
Identifiers: ClinVar variation 468919 (VCV000468919.10), dbSNP rs373539850, ClinGen allele CA562001.